The following is an entry in ClinVar:

ClinVar aggregate classification (germline): Uncertain significance. Review status: criteria provided, multiple submitters, no conflicts (2 of 4 stars). 2 submissions from 2 submitters: Uncertain significance (2). Last evaluated 2025-11-17.

Conditions:
Dyskeratosis congenita, autosomal recessive 5 (DKCB5). Identifiers: MedGen C3554656, MONDO:0014076, OMIM 615190.
Pulmonary fibrosis and/or bone marrow failure, Telomere-related, 3. Also called: PULMONARY FIBROSIS AND/OR BONE MARROW FAILURE SYNDROME, TELOMERE-RELATED, 3. Identifiers: Orphanet 2032, MedGen C4225346, MONDO:0014613, OMIM 616373.
Inborn genetic diseases. Identifiers: MedGen C0950123, MeSH D030342.

Submissions (2):

Labcorp Genetics (formerly Invitae), Labcorp
Classification: Uncertain significance for Dyskeratosis congenita, autosomal recessive 5; Pulmonary fibrosis and/or bone marrow failure, Telomere-related, 3. Last evaluated: 2025-11-17. Review status: criteria provided, single submitter. Criteria: Invitae Variant Classification Sherloc (09022015). Collection method: clinical testing. Allele origin: germline.
Comment: This sequence change replaces glutamine, which is neutral and polar, with arginine, which is basic and polar, at codon 153 of the RTEL1 protein (p.Gln153Arg). This variant is not present in population databases (gnomAD no frequency). This variant has not been reported in the literature in individuals affected with RTEL1-related conditions. ClinVar contains an entry for this variant (Variation ID: 3948453). An algorithm developed to predict the effect of missense changes on protein structure and function (PolyPhen-2) suggests that this variant is likely to be disruptive. In summary, the available evidence is currently insufficient to determine the role of this variant in disease. Therefore, it has been classified as a Variant of Uncertain Significance.

Ambry Genetics
Classification: Uncertain significance for Inborn genetic diseases. Last evaluated: 2025-06-06. Review status: criteria provided, single submitter. Criteria: Ambry Variant Classification Scheme 2023. Collection method: clinical testing. Allele origin: germline.
Comment: The p.Q153R variant (also known as c.458A>G), located in coding exon 4 of the RTEL1 gene, results from an A to G substitution at nucleotide position 458. The glutamine at codon 153 is replaced by arginine, an amino acid with highly similar properties. This amino acid position is conserved. In addition, this alteration is predicted to be tolerated by in silico analysis. Based on the available evidence, the clinical significance of this variant remains unclear.

NM_001283009.2(RTEL1):c.458A>G (p.Gln153Arg)

Genes: RTEL1 (regulator of telomere elongation helicase 1; plus strand), RTEL1-TNFRSF6B (RTEL1-TNFRSF6B readthrough (NMD candidate); plus strand). Cytogenetic location: 20q13.33.
Variant type: single nucleotide variant.
Coding change: c.458A>G on transcript NM_001283009.2 (MANE Select); coding-DNA position 458, A replaced by G.
Protein change: p.Gln153Arg; replaces glutamine 153 with arginine.
Molecular consequence: missense variant. On other transcripts: non-coding transcript variant (1), 5 prime UTR variant (1).
Genome position (GRCh38, 1-based): chr20:63,662,608, A>G. VCF-style: chr20-63662608-A-G. GRCh37 (hg19) VCF-style: chr20-62293961-A-G.
Other names: c.-212A>G (NM_001283010.1); c.458A>G, p.Gln153Arg (NM_016434.4); c.530A>G, p.Gln177Arg (NM_032957.5); short protein forms Q153R, Q177R.
Identifiers: ClinVar variation 3948453 (VCV003948453.2).